The following is an entry in ClinVar:

ClinVar aggregate classification (germline): Uncertain significance (1 of 4 stars; one submission).

Conditions:
Joubert syndrome 20 (JBTS20). Identifiers: Orphanet 475, MedGen C3554235, MONDO:0013994, OMIM 614970.
Meckel syndrome, type 11 (MKS11). Identifiers: Orphanet 564, MedGen C3809352, MONDO:0014164, OMIM 615397.

Allele frequency attached by ClinVar (database versions not stated): TOPMed below 0.00001.

Submission:

Labcorp Genetics (formerly Invitae), Labcorp
Classification: Uncertain significance for Joubert syndrome 20; Meckel syndrome, type 11. Last evaluated: 2022-05-14. Review status: criteria provided, single submitter. Criteria: Invitae Variant Classification Sherloc (09022015). Collection method: clinical testing. Allele origin: germline.
Comment: In summary, the available evidence is currently insufficient to determine the role of this variant in disease. Therefore, it has been classified as a Variant of Uncertain Significance. Algorithms developed to predict the effect of missense changes on protein structure and function are either unavailable or do not agree on the potential impact of this missense change (SIFT: "Tolerated"; PolyPhen-2: "Not Available"; Align-GVGD: "Class C0"). This variant has not been reported in the literature in individuals affected with TMEM231-related conditions. This variant is not present in population databases (gnomAD no frequency). This sequence change replaces proline, which is neutral and non-polar, with threonine, which is neutral and polar, at codon 284 of the TMEM231 protein (p.Pro284Thr).

NM_001077418.3(TMEM231):c.691C>A (p.Pro231Thr)

Gene: TMEM231 (transmembrane protein 231; minus strand). Cytogenetic location: 16q23.1.
Variant type: single nucleotide variant.
Coding change: c.691C>A on transcript NM_001077418.3 (MANE Select); coding-DNA position 691, C replaced by A.
Protein change: p.Pro231Thr; replaces proline 231 with threonine.
Molecular consequence: missense variant. On other transcripts: non-coding transcript variant (1).
Genome position (GRCh38, 1-based): chr16:75,541,429, G>T on the plus strand (C>A on the coding strand, the complement: TMEM231 is on the minus strand). VCF-style: chr16-75541429-G-T. GRCh37 (hg19) VCF-style: chr16-75575327-G-T.
Other names: c.850C>A, p.Pro284Thr (NM_001077416.2); short protein forms P231T, P284T.
Identifiers: ClinVar variation 1901757 (VCV001901757.4), dbSNP rs2080627748, ClinGen allele CA396804484.